The following is an entry in ClinVar:

NM_001375.3(DNASE2):c.309C>G (p.Ser103Arg)

Gene: DNASE2 (deoxyribonuclease 2, lysosomal; minus strand). Cytogenetic location: 19p13.13.
Variant type: single nucleotide variant.
Coding change: c.309C>G on transcript NM_001375.3 (MANE Select); coding-DNA position 309, C replaced by G.
Protein change: p.Ser103Arg; replaces serine 103 with arginine.
Molecular consequence: missense variant.
Genome position (GRCh38, 1-based): chr19:12,880,839, G>C on the plus strand (C>G on the coding strand, the complement: DNASE2 is on the minus strand). VCF-style: chr19-12880839-G-C. GRCh37 (hg19) VCF-style: chr19-12991653-G-C.
Other names: short protein forms S103R.
Identifiers: ClinVar variation 2037010 (VCV002037010.4), dbSNP rs2512551104, ClinGen allele CA404302175.

ClinVar aggregate classification (germline): Uncertain significance (1 of 4 stars; one submission).

Submission:

Labcorp Genetics (formerly Invitae), Labcorp
Classification: Uncertain significance. Last evaluated: 2022-07-12. Review status: criteria provided, single submitter. Criteria: Invitae Variant Classification Sherloc (09022015). Collection method: clinical testing. Allele origin: germline.
Comment: This sequence change replaces serine, which is neutral and polar, with arginine, which is basic and polar, at codon 103 of the DNASE2 protein (p.Ser103Arg). This variant is not present in population databases (gnomAD no frequency). This variant has not been reported in the literature in individuals affected with DNASE2-related conditions. Algorithms developed to predict the effect of missense changes on protein structure and function output the following: SIFT: "Deleterious"; PolyPhen-2: "Benign"; Align-GVGD: "Class C0". The arginine amino acid residue is found in multiple mammalian species, which suggests that this missense change does not adversely affect protein function. In summary, the available evidence is currently insufficient to determine the role of this variant in disease. Therefore, it has been classified as a Variant of Uncertain Significance.